The following is an entry in ClinVar:

NM_000501.4(ELN):c.263C>T (p.Pro88Leu)

Gene: ELN (elastin; plus strand). Cytogenetic location: 7q11.23.
Variant type: single nucleotide variant.
Coding change: c.263C>T on transcript NM_000501.4 (MANE Select); coding-DNA position 263, C replaced by T.
Protein change: p.Pro88Leu; replaces proline 88 with leucine.
Molecular consequence: missense variant.
Genome position (GRCh38, 1-based): chr7:74,042,644, C>T. VCF-style: chr7-74042644-C-T. GRCh37 (hg19) VCF-style: chr7-73456974-C-T.
Other names: c.233C>T, p.Pro78Leu (NM_001081752.3, NM_001278914.2, NM_001278917.2 and 1 more transcripts); c.263C>T, p.Pro88Leu (NM_001081753.3, NM_001081754.3, NM_001081755.3 and 4 more transcripts); c.227C>T, p.Pro76Leu (NM_001278913.2); c.263C>T (NM_000501.2); short protein forms P78L, P88L, P76L.
Identifiers: ClinVar variation 2151276 (VCV002151276.6), dbSNP rs781997146, ClinGen allele CA4292411.

ClinVar aggregate classification (germline): Uncertain significance. Review status: criteria provided, multiple submitters, no conflicts (2 of 4 stars). 2 submissions from 2 submitters: Uncertain significance (2). Last evaluated 2025-12-08.

Conditions:
Inborn genetic diseases. Identifiers: MedGen C0950123, MeSH D030342.
Supravalvar aortic stenosis (SVAS). Also called: Supravalvar aortic stenosis, Eisenberg type. Identifiers: Orphanet 3193, MedGen C0003499, MONDO:0008504, OMIM 185500, HP:0004381.

Allele frequency attached by ClinVar (database versions not stated): gnomAD exomes 0.00002; ExAC 0.00003.
gnomAD v4.1: 32 of 1,613,654 alleles (0.002%); highest among the groups gnomAD compares: Admixed American, 0.022%; no homozygotes.

Submissions (2):

Labcorp Genetics (formerly Invitae), Labcorp
Classification: Uncertain significance for Supravalvar aortic stenosis. Last evaluated: 2025-12-08. Review status: criteria provided, single submitter. Criteria: Invitae Variant Classification Sherloc (09022015). Collection method: clinical testing. Allele origin: germline.
Comment: This sequence change replaces proline, which is neutral and non-polar, with leucine, which is neutral and non-polar, at codon 88 of the ELN protein (p.Pro88Leu). This variant is present in population databases (rs781997146, gnomAD 0.03%). This variant has not been reported in the literature in individuals affected with ELN-related conditions. ClinVar contains an entry for this variant (Variation ID: 2151276). Invitae Evidence Modeling of protein sequence and biophysical properties (such as structural, functional, and spatial information, amino acid conservation, physicochemical variation, residue mobility, and thermodynamic stability) indicates that this missense variant is not expected to disrupt ELN protein function with a negative predictive value of 80%. In summary, the available evidence is currently insufficient to determine the role of this variant in disease. Therefore, it has been classified as a Variant of Uncertain Significance.

Ambry Genetics
Classification: Uncertain significance for Inborn genetic diseases. Last evaluated: 2025-09-10. Review status: criteria provided, single submitter. Criteria: Ambry Variant Classification Scheme 2023. Collection method: clinical testing. Allele origin: germline.